The following is an entry in ClinVar:

ClinVar aggregate classification (germline): Uncertain significance. Review status: criteria provided, multiple submitters, no conflicts (2 of 4 stars). 2 submissions from 2 submitters: Uncertain significance (2). Last evaluated 2019-05-12.

Conditions:
Spermatogenic failure 18. Identifiers: MedGen C4539783, MONDO:0054615, OMIM 617576.
Ciliary dyskinesia, primary, 37 (CILD37). Also called: CILIARY DYSKINESIA, PRIMARY, 37, WITH OR WITHOUT SITUS INVERSUS. Identifiers: MedGen C4539798, MONDO:0033204, OMIM 617577.

gnomAD v4.1: 2 of 1,613,902 alleles (0.00012%); highest among the groups gnomAD compares: East Asian, 0.0045%; no homozygotes.

Submissions (2):

Labcorp Genetics (formerly Invitae), Labcorp
Classification: Uncertain significance for Ciliary dyskinesia, primary, 37; Spermatogenic failure 18. Last evaluated: 2019-05-12. Review status: criteria provided, single submitter. Criteria: Invitae Variant Classification Sherloc (09022015). Collection method: clinical testing. Allele origin: germline.
Comment: This sequence change replaces glutamine with leucine at codon 3707 of the DNAH1 protein (p.Gln3707Leu). The glutamine residue is highly conserved and there is a moderate physicochemical difference between glutamine and leucine. In summary, the available evidence is currently insufficient to determine the role of this variant in disease. Therefore, it has been classified as a Variant of Uncertain Significance. Algorithms developed to predict the effect of missense changes on protein structure and function are either unavailable or do not agree on the potential impact of this missense change (SIFT: "Deleterious"; PolyPhen-2: "Probably Damaging"; Align-GVGD: "Class C0"). This variant has not been reported in the literature in individuals with DNAH1-related conditions. This variant is not present in population databases (ExAC no frequency).

Juno Genomics, Hangzhou Juno Genomics, Inc
Classification: Uncertain significance for Ciliary dyskinesia, primary, 37; Spermatogenic failure 18. Review status: criteria provided, single submitter. Criteria: ACMG Guidelines, 2015. Collection method: clinical testing. Allele origin: germline.
Comment: Absent from controls (or at extremely low frequency if recessive) in Genome Aggregation Database.

NM_015512.5(DNAH1):c.11120A>T (p.Gln3707Leu)

Gene: DNAH1 (dynein axonemal heavy chain 1; plus strand). Cytogenetic location: 3p21.1.
Variant type: single nucleotide variant.
Coding change: c.11120A>T on transcript NM_015512.5 (MANE Select); coding-DNA position 11120, A replaced by T.
Protein change: p.Gln3707Leu; replaces glutamine 3707 with leucine.
Molecular consequence: missense variant.
Genome position (GRCh38, 1-based): chr3:52,395,459, A>T. VCF-style: chr3-52395459-A-T. GRCh37 (hg19) VCF-style: chr3-52429475-A-T.
Other names: short protein forms Q3707L.
Identifiers: ClinVar variation 947197 (VCV000947197.9), dbSNP rs1338847535, ClinGen allele CA353208005.